The following is an entry in ClinVar:

ClinVar aggregate classification (germline): Uncertain significance. Review status: criteria provided, multiple submitters, no conflicts (2 of 4 stars). 2 submissions from 2 submitters: Uncertain significance (2). Last evaluated 2023-11-27.

Conditions:
Hereditary cancer-predisposing syndrome. Also called: Neoplastic Syndromes, Hereditary; Hereditary neoplastic syndrome; Tumor predisposition; Hereditary Cancer Syndrome. Identifiers: Orphanet 140162, MedGen C0027672, MeSH D009386, MONDO:0015356.
Familial cancer of breast. Also called: hereditary breast carcinoma; BREAST CANCER, FAMILIAL; Hereditary breast cancer. Identifiers: Orphanet 227535, MedGen C0346153, MONDO:0016419, OMIM 114480. Disease mechanism: loss of function.

Submissions (2):

Ambry Genetics
Classification: Uncertain significance for Hereditary cancer-predisposing syndrome. Last evaluated: 2023-11-27. Review status: criteria provided, single submitter. Criteria: Ambry Variant Classification Scheme 2023. Collection method: clinical testing. Allele origin: germline.
Comment: The p.Q1620E variant (also known as c.4858C>G), located in coding exon 31 of the ATM gene, results from a C to G substitution at nucleotide position 4858. The glutamine at codon 1620 is replaced by glutamic acid, an amino acid with highly similar properties. This amino acid position is conserved. In addition, this alteration is predicted to be tolerated by in silico analysis. Since supporting evidence is limited at this time, the clinical significance of this alteration remains unclear.

Baylor Genetics
Classification: Uncertain significance for Familial cancer of breast. Last evaluated: 2023-10-11. Review status: criteria provided, single submitter. Criteria: ACMG Guidelines, 2015. Collection method: clinical testing. Allele origin: unknown.

NM_000051.4(ATM):c.4858C>G (p.Gln1620Glu)

Gene: ATM (ATM serine/threonine kinase; plus strand). Cytogenetic location: 11q22.3.
Variant type: single nucleotide variant.
Coding change: c.4858C>G on transcript NM_000051.4 (MANE Select); coding-DNA position 4858, C replaced by G.
Protein change: p.Gln1620Glu; replaces glutamine 1620 with glutamic acid.
Molecular consequence: missense variant.
Genome position (GRCh38, 1-based): chr11:108,295,008, C>G. VCF-style: chr11-108295008-C-G. GRCh37 (hg19) VCF-style: chr11-108165735-C-G.
Other names: c.4858C>G, p.Gln1620Glu (NM_001351834.2); short protein forms Q1620E.
Identifiers: ClinVar variation 2679623 (VCV002679623.2), dbSNP rs2135836328, ClinGen allele CA382537009.